The following is an entry in ClinVar:

NM_018713.3(SLC30A10):c.578T>C (p.Leu193Pro)

Gene: SLC30A10 (solute carrier family 30 member 10; minus strand). Cytogenetic location: 1q41.
Variant type: single nucleotide variant.
Coding change: c.578T>C on transcript NM_018713.3 (MANE Select); coding-DNA position 578, T replaced by C.
Protein change: p.Leu193Pro; replaces leucine 193 with proline.
Molecular consequence: missense variant. On other transcripts: non-coding transcript variant (1), intron variant (1).
Genome position (GRCh38, 1-based): chr1:219,927,863, A>G on the plus strand (T>C on the coding strand, the complement: SLC30A10 is on the minus strand). VCF-style: chr1-219927863-A-G. GRCh37 (hg19) VCF-style: chr1-220101205-A-G.
Other names: c.452-758T>C (NM_001376929.1); short protein forms L193P.
Identifiers: ClinVar variation 1713574 (VCV001713574.5), dbSNP rs2527882911, ClinGen allele CA344733349.

ClinVar aggregate classification (germline): Uncertain significance (1 of 4 stars; one submission).

Submission:

Labcorp Genetics (formerly Invitae), Labcorp
Classification: Uncertain significance. Last evaluated: 2024-02-24. Review status: criteria provided, single submitter. Criteria: Invitae Variant Classification Sherloc (09022015). Collection method: clinical testing. Allele origin: germline.
Comment: This sequence change replaces leucine, which is neutral and non-polar, with proline, which is neutral and non-polar, at codon 193 of the SLC30A10 protein (p.Leu193Pro). This variant is not present in population databases (gnomAD no frequency). This variant has not been reported in the literature in individuals affected with SLC30A10-related conditions. ClinVar contains an entry for this variant (Variation ID: 1713574). An algorithm developed to predict the effect of missense changes on protein structure and function (PolyPhen-2) suggests that this variant is likely to be disruptive. In summary, the available evidence is currently insufficient to determine the role of this variant in disease. Therefore, it has been classified as a Variant of Uncertain Significance.